The following is an entry in ClinVar:

NM_001367624.2(ZNF469):c.3323G>A (p.Gly1108Asp)

Gene: ZNF469 (zinc finger protein 469; plus strand). Cytogenetic location: 16q24.2.
Variant type: single nucleotide variant.
Coding change: c.3323G>A on transcript NM_001367624.2 (MANE Select); coding-DNA position 3323, G replaced by A.
Protein change: p.Gly1108Asp; replaces glycine 1108 with aspartic acid.
Molecular consequence: missense variant.
Genome position (GRCh38, 1-based): chr16:88,430,793, G>A. VCF-style: chr16-88430793-G-A. GRCh37 (hg19) VCF-style: chr16-88497201-G-A.
Other names: short protein forms G1108D.
Identifiers: ClinVar variation 3689162 (VCV003689162.2).

ClinVar aggregate classification (germline): Uncertain significance (1 of 4 stars; one submission).

gnomAD v4.1: 6 of 1,527,892 alleles (0.00039%); highest among the groups gnomAD compares: Non-Finnish European, 0.00052%; no homozygotes.

Submission:

Labcorp Genetics (formerly Invitae), Labcorp
Classification: Uncertain significance. Last evaluated: 2024-04-05. Review status: criteria provided, single submitter. Criteria: Invitae Variant Classification Sherloc (09022015). Collection method: clinical testing. Allele origin: germline.
Comment: This sequence change replaces glycine, which is neutral and non-polar, with aspartic acid, which is acidic and polar, at codon 1080 of the ZNF469 protein (p.Gly1080Asp). The frequency data for this variant in the population databases is considered unreliable, as metrics indicate poor data quality at this position in the gnomAD database. This variant has not been reported in the literature in individuals affected with ZNF469-related conditions. Algorithms developed to predict the effect of missense changes on protein structure and function output the following: SIFT: "Not Available"; PolyPhen-2: "Benign"; Align-GVGD: "Not Available". The aspartic acid amino acid residue is found in multiple mammalian species, which suggests that this missense change does not adversely affect protein function. In summary, the available evidence is currently insufficient to determine the role of this variant in disease. Therefore, it has been classified as a Variant of Uncertain Significance.